The following is an entry in ClinVar:

ClinVar aggregate classification (germline): Uncertain significance. Review status: criteria provided, multiple submitters, no conflicts (2 of 4 stars). 2 submissions from 2 submitters: Uncertain significance (2). Last evaluated 2025-03-07.

Conditions:
Charcot-Marie-Tooth disease type 2. Also called: Charcot-Marie-Tooth type 2. Identifiers: Orphanet 64746, MedGen C0270914, MONDO:0018993.

Allele frequency attached by ClinVar (database versions not stated): TOPMed below 0.00001.

Submissions (2):

Labcorp Genetics (formerly Invitae), Labcorp
Classification: Uncertain significance for Charcot-Marie-Tooth disease type 2. Last evaluated: 2025-03-07. Review status: criteria provided, single submitter. Criteria: Invitae Variant Classification Sherloc (09022015). Collection method: clinical testing. Allele origin: germline.
Comment: This sequence change replaces methionine, which is neutral and non-polar, with threonine, which is neutral and polar, at codon 1403 of the KIF1B protein (p.Met1403Thr). This variant is not present in population databases (gnomAD no frequency). This variant has not been reported in the literature in individuals affected with KIF1B-related conditions. ClinVar contains an entry for this variant (Variation ID: 1738702). An algorithm developed to predict the effect of missense changes on protein structure and function (PolyPhen-2) suggests that this variant is likely to be tolerated. In summary, the available evidence is currently insufficient to determine the role of this variant in disease. Therefore, it has been classified as a Variant of Uncertain Significance.

Ambry Genetics
Classification: Uncertain significance. Last evaluated: 2023-09-07. Review status: criteria provided, single submitter. Criteria: Ambry Variant Classification Scheme 2023. Collection method: clinical testing. Allele origin: germline.
Comment: The p.M1403T variant (also known as c.4208T>C), located in coding exon 38 of the KIF1B gene, results from a T to C substitution at nucleotide position 4208. The methionine at codon 1403 is replaced by threonine, an amino acid with similar properties. This amino acid position is conserved. In addition, the in silico prediction for this alteration is inconclusive. Since supporting evidence is limited at this time, the clinical significance of this alteration remains unclear.

NM_001365951.3(KIF1B):c.4346T>C (p.Met1449Thr)

Gene: KIF1B (kinesin family member 1B; plus strand). Cytogenetic location: 1p36.22.
Variant type: single nucleotide variant.
Coding change: c.4346T>C on transcript NM_001365951.3 (MANE Select); coding-DNA position 4346, T replaced by C.
Protein change: p.Met1449Thr; replaces methionine 1449 with threonine.
Molecular consequence: missense variant.
Genome position (GRCh38, 1-based): chr1:10,363,324, T>C. VCF-style: chr1-10363324-T-C. GRCh37 (hg19) VCF-style: chr1-10423382-T-C.
Other names: c.4346T>C, p.Met1449Thr (NM_001365952.1); c.4208T>C, p.Met1403Thr (NM_015074.3); short protein forms M1403T, M1449T.
Identifiers: ClinVar variation 1738702 (VCV001738702.4), dbSNP rs926606312, ClinGen allele CA17848735.